The following is an entry in ClinVar:

ClinVar aggregate classification (germline): Uncertain significance (1 of 4 stars; one submission).

Conditions:
VWF-related disorder. Also called: VWF-related condition; VWF-related disorders.

Allele frequency attached by ClinVar (database versions not stated): gnomAD 0.00001.
gnomAD v4.1: 1 of 1,613,914 alleles (0.000062%); highest among the groups gnomAD compares: Non-Finnish European, 0.000085%; no homozygotes.

Submission:

PreventionGenetics, part of Exact Sciences
Classification: Uncertain significance for VWF-related condition. Last evaluated: 2023-03-31. Review status: criteria provided, single submitter. Criteria: ACMG Guidelines, 2015. Collection method: clinical testing. Allele origin: germline.
Comment: The VWF c.6118G>A variant is predicted to result in the amino acid substitution p.Val2040Ile. To our knowledge, this variant has not been reported in the literature or in a large population database, indicating this variant is rare. At this time, the clinical significance of this variant is uncertain due to the absence of conclusive functional and genetic evidence.

NM_000552.5(VWF):c.6118G>A (p.Val2040Ile)

Gene: VWF (von Willebrand factor; minus strand). Cytogenetic location: 12p13.31.
Variant type: single nucleotide variant.
Coding change: c.6118G>A on transcript NM_000552.5 (MANE Select); coding-DNA position 6118, G replaced by A.
Protein change: p.Val2040Ile; replaces valine 2040 with isoleucine.
Molecular consequence: missense variant.
Genome position (GRCh38, 1-based): chr12:5,994,553, C>T on the plus strand (G>A on the coding strand, the complement: VWF is on the minus strand). VCF-style: chr12-5994553-C-T. GRCh37 (hg19) VCF-style: chr12-6103719-C-T.
Other names: short protein forms V2040I.
Identifiers: ClinVar variation 2630474 (VCV002630474.1), dbSNP rs1943786522, ClinGen allele CA383492363.